The following is an entry in ClinVar:

NM_022437.3(ABCG8):c.1656G>A (p.Leu552=)

Gene: ABCG8 (ATP binding cassette subfamily G member 8; plus strand). Cytogenetic location: 2p21.
Variant type: single nucleotide variant.
Coding change: c.1656G>A on transcript NM_022437.3 (MANE Select); coding-DNA position 1656, G replaced by A.
Protein change: p.Leu552=; no amino-acid change (leucine 552 retained).
Molecular consequence: synonymous variant.
Genome position (GRCh38, 1-based): chr2:43,875,313, G>A. VCF-style: chr2-43875313-G-A. GRCh37 (hg19) VCF-style: chr2-44102452-G-A.
Other names: c.1653G>A, p.Leu551= (NM_001357321.2).
Identifiers: ClinVar variation 282053 (VCV000282053.19), dbSNP rs145341486, ClinGen allele CA1637581.

ClinVar aggregate classification (germline): Benign/Likely benign. Review status: criteria provided, multiple submitters, no conflicts (2 of 4 stars). 6 submissions from 6 submitters: Benign (1); Likely benign (4). 1 of the submissions does not count toward it. Last evaluated 2026-01-22.

Conditions:
ABCG8-related disorder. Also called: ABCG8-related condition.
Cardiovascular phenotype. Identifiers: MedGen CN230736.

Allele frequency attached by ClinVar (database versions not stated): 1000 Genomes Project 0.00080; gnomAD 0.00092; 1000 Genomes Project 30x 0.00094; TOPMed 0.00140; ESP Exome Variant Server 0.00154.
gnomAD v4.1: 364 of 1,614,114 alleles (0.023%); highest among the groups gnomAD compares: African/African-American, 0.43%; 1 homozygote.

Submissions (6):

Labcorp Genetics (formerly Invitae), Labcorp
Classification: Benign. Last evaluated: 2026-01-22. Review status: criteria provided, single submitter. Criteria: Invitae Variant Classification Sherloc (09022015). Collection method: clinical testing. Allele origin: germline.

Women's Health and Genetics/Laboratory Corporation of America, LabCorp
Classification: Likely benign. Last evaluated: 2024-07-27. Review status: criteria provided, single submitter. Criteria: LabCorp Variant Classification Summary - May 2015. Collection method: clinical testing. Allele origin: germline.

Blueprint Genetics
Classification: Likely benign. Last evaluated: 2024-07-18. Review status: criteria provided, single submitter. Criteria: ACMG Guidelines, 2015. Collection method: clinical testing. Allele origin: germline.

Ambry Genetics
Classification: Likely benign for Cardiovascular phenotype. Last evaluated: 2022-03-03. Review status: criteria provided, single submitter. Criteria: Ambry Variant Classification Scheme 2023. Collection method: clinical testing. Allele origin: germline.

Eurofins Ntd Llc (ga)
Classification: Likely benign. Last evaluated: 2015-07-23. Review status: criteria provided, single submitter. Criteria: EGL Classification Definitions 2015. Collection method: clinical testing. Allele origin: germline. Observed: 1 variant allele, 1 heterozygote.

PreventionGenetics, part of Exact Sciences
Classification: Likely benign for ABCG8-related condition. Last evaluated: 2021-12-28. Review status: no assertion criteria provided. Collection method: clinical testing. Allele origin: germline. Not counted in ClinVar's aggregate classification.
Comment: This variant is classified as likely benign based on ACMG/AMP sequence variant interpretation guidelines (Richards et al. 2015 PMID: 25741868, with internal and published modifications).